The following is an entry in ClinVar:

ClinVar aggregate classification (germline): Benign/Likely benign. Review status: criteria provided, multiple submitters, no conflicts (2 of 4 stars). 8 submissions from 8 submitters: Benign (6); Likely benign (2). Last evaluated 2026-02-04.

Conditions:
Pontoneocerebellar hypoplasia. Also called: Pontocerebellar hypoplasia; Non-syndromic pontocerebellar hypoplasia. Identifiers: Orphanet 98523, MedGen C1261175, MONDO:0020135.

Allele frequency attached by ClinVar (database versions not stated): 1000 Genomes Project 30x 0.00734; 1000 Genomes Project 0.00779; ESP Exome Variant Server 0.00800; TOPMed 0.00806; gnomAD 0.01002 and 0.01005; ExAC 0.01149; gnomAD exomes 0.01219 and 0.01345.
gnomAD v4.1: 21,182 of 1,614,170 alleles (1.3%); highest among the groups gnomAD compares: South Asian, 2.3%; 212 homozygotes.

Submissions (21):

Labcorp Genetics (formerly Invitae), Labcorp
Classification: Benign. Last evaluated: 2026-02-04. Review status: criteria provided, single submitter. Criteria: Invitae Variant Classification Sherloc (09022015). Collection method: clinical testing. Allele origin: germline.

Athena Diagnostics
Classification: Benign. Last evaluated: 2025-03-24. Review status: criteria provided, single submitter. Criteria: Athena Diagnostics Criteria. Collection method: clinical testing. Allele origin: unknown.
Comment: The frequency of this variant in the general population is higher than would generally be expected for pathogenic variants in this gene.

Illumina Laboratory Services, Illumina
Classification: Benign for Pontoneocerebellar hypoplasia. Last evaluated: 2018-01-13. Review status: criteria provided, single submitter. Criteria: ICSL Variant Classification Criteria 13 December 2019. Collection method: clinical testing. Allele origin: germline.
Comment: This variant was observed in the ICSL laboratory as part of a predisposition screen in an ostensibly healthy population. It had not been previously curated by ICSL or reported in the Human Gene Mutation Database (HGMD: prior to June 1st, 2018), and was therefore a candidate for classification through an automated scoring system. Utilizing variant allele frequency, disease prevalence and penetrance estimates, and inheritance mode, an automated score was calculated to assess if this variant is too frequent to cause the disease. Based on the score and internal cut-off values, a variant classified as benign is not then subjected to further curation. The score for this variant resulted in a classification of benign for this disease.

GeneDx
Classification: Benign. Last evaluated: 2016-01-20. Review status: criteria provided, single submitter. Criteria: GeneDx Variant Classification (06012015). Collection method: clinical testing. Allele origin: germline. Affected: yes.
Comment: This variant is considered likely benign or benign based on one or more of the following criteria: it is a conservative change, it occurs at a poorly conserved position in the protein, it is predicted to be benign by multiple in silico algorithms, and/or has population frequency not consistent with disease.

Center for Pediatric Genomic Medicine, Children's Mercy Hospital and Clinics
Classification: Likely benign. Last evaluated: 2015-11-23. Review status: criteria provided, single submitter. Criteria: ACMG Guidelines, 2015. Collection method: clinical testing. Allele origin: germline.
ClinVar note: Converted during submission from Likely Benign to Likely benign.

Genetic Services Laboratory, University of Chicago
Classification: Benign. Last evaluated: 2013-02-08. Review status: criteria provided, single submitter. Criteria: ACMG Guidelines, 2007. Collection method: clinical testing. Allele origin: germline. Inheritance: Autosomal recessive inheritance.

Breakthrough Genomics
Classification: Likely benign. Review status: criteria provided, single submitter. Criteria: ACMG Guidelines, 2015. Collection method: not provided. Allele origin: germline. Inheritance: Autosomal recessive inheritance. Affected: yes.

PreventionGenetics, part of Exact Sciences
Classification: Benign. Review status: criteria provided, single submitter. Criteria: ACMG Guidelines, 2015. Collection method: clinical testing. Allele origin: germline.

Dr. Peter K. Rogan Lab, Western University
No classification provided (evidence only). Condition: Clear cell carcinoma of kidney. Review status: no classification provided. Collection method: in vitro. Allele origin: not applicable. Functional consequence: retained intron. Not counted in ClinVar's aggregate classification.

Dr. Peter K. Rogan Lab, Western University
No classification provided (evidence only). Condition: Lung cancer. Review status: no classification provided. Collection method: in vitro. Allele origin: not applicable. Functional consequence: skipped exon. Not counted in ClinVar's aggregate classification.

Dr. Peter K. Rogan Lab, Western University
No classification provided (evidence only). Condition: Lung cancer. Review status: no classification provided. Collection method: in vitro. Allele origin: not applicable. Functional consequence: skipped exon. Not counted in ClinVar's aggregate classification.

Dr. Peter K. Rogan Lab, Western University
No classification provided (evidence only). Condition: Melanoma. Review status: no classification provided. Collection method: in vitro. Allele origin: not applicable. Functional consequence: skipped exon. Not counted in ClinVar's aggregate classification.

Dr. Peter K. Rogan Lab, Western University
No classification provided (evidence only). Condition: Melanoma. Review status: no classification provided. Collection method: in vitro. Allele origin: not applicable. Functional consequence: skipped exon. Not counted in ClinVar's aggregate classification.

Dr. Peter K. Rogan Lab, Western University
No classification provided (evidence only). Condition: Acute myeloid leukemia. Review status: no classification provided. Collection method: in vitro. Allele origin: not applicable. Functional consequence: retained intron. Not counted in ClinVar's aggregate classification.

Dr. Peter K. Rogan Lab, Western University
No classification provided (evidence only). Condition: Thyroid cancer, nonmedullary, 1. Review status: no classification provided. Collection method: in vitro. Allele origin: not applicable. Functional consequence: retained intron. Not counted in ClinVar's aggregate classification.

Dr. Peter K. Rogan Lab, Western University
No classification provided (evidence only). Condition: Uterine corpus endometrial carcinoma. Review status: no classification provided. Collection method: in vitro. Allele origin: not applicable. Functional consequence: skipped exon. Not counted in ClinVar's aggregate classification.

Dr. Peter K. Rogan Lab, Western University
No classification provided (evidence only). Condition: Sarcoma. Review status: no classification provided. Collection method: in vitro. Allele origin: not applicable. Functional consequence: skipped exon. Not counted in ClinVar's aggregate classification.

Dr. Peter K. Rogan Lab, Western University
No classification provided (evidence only). Condition: Hepatocellular carcinoma. Review status: no classification provided. Collection method: in vitro. Allele origin: not applicable. Functional consequence: skipped exon, retained intron. Not counted in ClinVar's aggregate classification.

Dr. Peter K. Rogan Lab, Western University
No classification provided (evidence only). Condition: Gastric cancer. Review status: no classification provided. Collection method: in vitro. Allele origin: not applicable. Functional consequence: retained intron. Not counted in ClinVar's aggregate classification.

Dr. Peter K. Rogan Lab, Western University
No classification provided (evidence only). Condition: Uterine carcinosarcoma. Review status: no classification provided. Collection method: in vitro. Allele origin: not applicable. Functional consequence: retained intron. Not counted in ClinVar's aggregate classification.

Dr. Peter K. Rogan Lab, Western University
No classification provided (evidence only). Condition: Malignant tumor of esophagus. Review status: no classification provided. Collection method: in vitro. Allele origin: not applicable. Functional consequence: skipped exon. Not counted in ClinVar's aggregate classification.

NM_207346.3(TSEN54):c.1328C>G (p.Ser443Cys)

Gene: TSEN54 (tRNA splicing endonuclease subunit 54; plus strand). Cytogenetic location: 17q25.1.
Variant type: single nucleotide variant.
Coding change: c.1328C>G on transcript NM_207346.3 (MANE Select); coding-DNA position 1328, C replaced by G.
Protein change: p.Ser443Cys; replaces serine 443 with cysteine.
Molecular consequence: missense variant.
Genome position (GRCh38, 1-based): chr17:75,523,677, C>G. VCF-style: chr17-75523677-C-G. GRCh37 (hg19) VCF-style: chr17-73519758-C-G.
Other names: short protein forms S443C.
Identifiers: ClinVar variation 160128 (VCV000160128.24), dbSNP rs150169668, ClinGen allele CA173714.